The following is an entry in ClinVar:

ClinVar aggregate classification (germline): Uncertain significance (1 of 4 stars; one submission).

Conditions:
Cardiovascular phenotype. Identifiers: MedGen CN230736.

Submission:

Ambry Genetics
Classification: Uncertain significance for Cardiovascular phenotype. Last evaluated: 2026-04-26. Review status: criteria provided, single submitter. Criteria: Ambry Variant Classification Scheme 2023. Collection method: clinical testing. Allele origin: germline.
Comment: The p.D243Y variant (also known as c.727G>T), located in coding exon 7 of the SPRED1 gene, results from a G to T substitution at nucleotide position 727. The aspartic acid at codon 243 is replaced by tyrosine, an amino acid with highly dissimilar properties. This amino acid position is conserved. In addition, the in silico prediction for this alteration is inconclusive. Based on the available evidence, the clinical significance of this variant remains unclear.

NM_152594.3(SPRED1):c.727G>T (p.Asp243Tyr)

Gene: SPRED1 (sprouty related EVH1 domain containing 1; plus strand). Cytogenetic location: 15q14.
Variant type: single nucleotide variant.
Coding change: c.727G>T on transcript NM_152594.3 (MANE Select); coding-DNA position 727, G replaced by T.
Protein change: p.Asp243Tyr; replaces aspartic acid 243 with tyrosine.
Molecular consequence: missense variant.
Genome position (GRCh38, 1-based): chr15:38,351,056, G>T. VCF-style: chr15-38351056-G-T. GRCh37 (hg19) VCF-style: chr15-38643257-G-T.
Other names: short protein forms D243Y.
Identifiers: ClinVar variation 4865027 (VCV004865027.1).